The following is an entry in ClinVar:

NM_001083961.2(WDR62):c.118A>G (p.Ile40Val)

Gene: WDR62 (WD repeat domain 62; plus strand). Cytogenetic location: 19q13.12.
Variant type: single nucleotide variant.
Coding change: c.118A>G on transcript NM_001083961.2 (MANE Select); coding-DNA position 118, A replaced by G.
Protein change: p.Ile40Val; replaces isoleucine 40 with valine.
Molecular consequence: missense variant.
Genome position (GRCh38, 1-based): chr19:36,055,089, A>G. VCF-style: chr19-36055089-A-G. GRCh37 (hg19) VCF-style: chr19-36545991-A-G.
Other names: c.118A>G, p.Ile40Val (NM_173636.5); short protein forms I40V.
Identifiers: ClinVar variation 977873 (VCV000977873.4), dbSNP rs551525495, ClinGen allele CA9395136.
Genomic context (GRCh38, chr19:36,055,089, plus strand): 5'-TCTGTCATGGCGGGAGTTCCGGCGCGGAGGGGCCAGTCCTCCCCGCCCCCCGCCCCACCA[A>G]TCTGCCTACGGCGGCGGACGCGACTCTCGACGGCCTCCGAGGAGACGGTGCAGAACCGGG-3'
Protein context (NP_001077430.1, residues 30-50): GQSSPPPAPP[Ile40Val]CLRRRTRLST

ClinVar aggregate classification (germline): Uncertain significance. Review status: criteria provided, multiple submitters, no conflicts (2 of 4 stars). 3 submissions from 3 submitters: Uncertain significance (2). 1 of the submissions does not count toward it. Last evaluated 2025-02-12.

Conditions:
Microcephaly 2, primary, autosomal recessive, with or without cortical malformations. Also called: MICROCEPHALY 2, PRIMARY, AUTOSOMAL RECESSIVE, WITH CORTICAL MALFORMATIONS; WDR62 Primary Microcephaly. Identifiers: Orphanet 2512, MedGen C1858535, MONDO:0011435, OMIM 604317.
Inborn genetic diseases. Identifiers: MedGen C0950123, MeSH D030342.

Allele frequency attached by ClinVar (database versions not stated): ExAC 0.00003; gnomAD exomes 0.00003; gnomAD 0.00004; TOPMed 0.00006; 1000 Genomes Project 0.00020; 1000 Genomes Project 30x 0.00031.
gnomAD v4.1: 56 of 1,605,022 alleles (0.0035%); highest among the groups gnomAD compares: Middle Eastern, 0.017%; no homozygotes.

Submissions (3):

Labcorp Genetics (formerly Invitae), Labcorp
Classification: Uncertain significance. Last evaluated: 2025-02-12. Review status: criteria provided, single submitter. Criteria: Invitae Variant Classification Sherloc (09022015). Collection method: clinical testing. Allele origin: germline.
Comment: This sequence change replaces isoleucine, which is neutral and non-polar, with valine, which is neutral and non-polar, at codon 40 of the WDR62 protein (p.Ile40Val). This variant is present in population databases (rs551525495, gnomAD 0.004%). This variant has not been reported in the literature in individuals affected with WDR62-related conditions. ClinVar contains an entry for this variant (Variation ID: 977873). An algorithm developed to predict the effect of missense changes on protein structure and function outputs the following: PolyPhen-2: "Benign". The valine amino acid residue is found in multiple mammalian species, which suggests that this missense change does not adversely affect protein function. In summary, the available evidence is currently insufficient to determine the role of this variant in disease. Therefore, it has been classified as a Variant of Uncertain Significance.

Ambry Genetics
Classification: Uncertain significance for Inborn genetic diseases. Last evaluated: 2023-03-27. Review status: criteria provided, single submitter. Criteria: Ambry Variant Classification Scheme 2023. Collection method: clinical testing. Allele origin: germline.

Service de Génétique Moléculaire, Hôpital Robert Debré
Classification: Likely benign for Microcephaly 2, primary, autosomal recessive, with or without cortical malformations. Review status: no assertion criteria provided. Collection method: clinical testing. Allele origin: unknown. Affected: yes. Not counted in ClinVar's aggregate classification.